The following is an entry in ClinVar:

NM_012318.3(LETM1):c.903C>A (p.Ser301Arg)

Gene: LETM1 (leucine zipper and EF-hand containing transmembrane protein 1; minus strand). Cytogenetic location: 4p16.3.
Variant type: single nucleotide variant.
Coding change: c.903C>A on transcript NM_012318.3 (MANE Select); coding-DNA position 903, C replaced by A.
Protein change: p.Ser301Arg; replaces serine 301 with arginine.
Molecular consequence: missense variant.
Genome position (GRCh38, 1-based): chr4:1,832,921, G>T on the plus strand (C>A on the coding strand, the complement: LETM1 is on the minus strand). VCF-style: chr4-1832921-G-T. GRCh37 (hg19) VCF-style: chr4-1834648-G-T.
Other names: short protein forms S301R.
Identifiers: ClinVar variation 3372945 (VCV003372945.1).

ClinVar aggregate classification (germline): Uncertain significance (1 of 4 stars; one submission).

Submission:

GeneDx
Classification: Uncertain significance. Last evaluated: 2024-04-22. Review status: criteria provided, single submitter. Criteria: GeneDx Variant Classification Process June 2021. Collection method: clinical testing. Allele origin: germline. Affected: yes.
Comment: Not observed at significant frequency in large population cohorts (gnomAD); In silico analysis supports that this missense variant has a deleterious effect on protein structure/function; Has not been previously published as pathogenic or benign to our knowledge